The following is an entry in ClinVar:

ClinVar aggregate classification (germline): Likely benign. Review status: criteria provided, multiple submitters, no conflicts (2 of 4 stars). 3 submissions from 3 submitters: Likely benign (2). 1 of the submissions does not count toward it. Last evaluated 2022-11-01.

Conditions:
SLC9A1-related disorder. Also called: SLC9A1-related condition.

Submissions (3):

CeGaT Center for Human Genetics Tuebingen
Classification: Likely benign. Last evaluated: 2022-11-01. Review status: criteria provided, single submitter. Criteria: CeGaT Center For Human Genetics Tuebingen Variant Classification Criteria Version 2. Collection method: clinical testing. Allele origin: germline. Affected: yes. Observed: 1 variant allele.
Comment: SLC9A1: BP4, BP7

Blueprint Genetics
Classification: Likely benign. Last evaluated: 2022-08-02. Review status: criteria provided, single submitter. Criteria: ACMG Guidelines, 2015. Collection method: clinical testing. Allele origin: germline.

PreventionGenetics, part of Exact Sciences
Classification: Likely benign for SLC9A1-related condition. Last evaluated: 2024-02-21. Review status: no assertion criteria provided. Collection method: clinical testing. Allele origin: germline. Not counted in ClinVar's aggregate classification.
Comment: This variant is classified as likely benign based on ACMG/AMP sequence variant interpretation guidelines (Richards et al. 2015 PMID: 25741868, with internal and published modifications).

NM_003047.5(SLC9A1):c.2319A>C (p.Gly773=)

Gene: SLC9A1 (solute carrier family 9 member A1; minus strand). Cytogenetic location: 1p36.11.
Variant type: single nucleotide variant.
Coding change: c.2319A>C on transcript NM_003047.5 (MANE Select); coding-DNA position 2319, A replaced by C.
Protein change: p.Gly773=; no amino-acid change (glycine 773 retained).
Molecular consequence: synonymous variant. On other transcripts: non-coding transcript variant (1).
Genome position (GRCh38, 1-based): chr1:27,100,436, T>G on the plus strand (A>C on the coding strand, the complement: SLC9A1 is on the minus strand). VCF-style: chr1-27100436-T-G. GRCh37 (hg19) VCF-style: chr1-27426927-T-G.
Other names: c.2319A>C (NM_003047.4).
Identifiers: ClinVar variation 2638552 (VCV002638552.26), dbSNP rs2083133359, ClinGen allele CA416974121.